The following is an entry in ClinVar:

NM_015662.3(IFT172):c.2078del (p.Lys693fs)

Gene: IFT172 (intraflagellar transport 172; minus strand). Cytogenetic location: 2p23.3.
Variant type: Deletion.
Coding change: c.2078del on transcript NM_015662.3 (MANE Select); coding-DNA position 2078, one base deleted (A; older notation c.2078delA).
Protein change: p.Lys693fs; shifts the reading frame from lysine 693.
Molecular consequence: frameshift variant.
Genome position (GRCh38, 1-based): chr2:27,462,738, T deleted on the plus strand (A on the coding strand, the reverse complement: IFT172 is on the minus strand); the first of 4 consecutive T bases (chr2:27,462,738-27,462,741); deleting any one gives the same sequence. VCF-style (leftmost placement, unchanged base first): chr2-27462737-CT-C. GRCh37 (hg19) VCF-style: chr2-27685604-CT-C.
Other names: short protein forms K693fs.
Identifiers: ClinVar variation 1452074 (VCV001452074.6), dbSNP rs1444591972, ClinGen allele CA531434842.

ClinVar aggregate classification (germline): Pathogenic (1 of 4 stars; one submission).

Conditions:
Retinitis pigmentosa 71 (RP71). Identifiers: Orphanet 791, MedGen C4225342, MONDO:0014618, OMIM 616394.
Short-rib thoracic dysplasia 10 with or without polydactyly (SRTD10). Identifiers: Orphanet 474, MedGen C3810175, MONDO:0014284, OMIM 615630.

Submission:

Labcorp Genetics (formerly Invitae), Labcorp
Classification: Pathogenic for Retinitis pigmentosa 71; Short-rib thoracic dysplasia 10 with or without polydactyly. Last evaluated: 2021-05-12. Review status: criteria provided, single submitter. Criteria: Invitae Variant Classification Sherloc (09022015). Collection method: clinical testing. Allele origin: germline.
Comment: This variant is not present in population databases (ExAC no frequency). For these reasons, this variant has been classified as Pathogenic. This variant has not been reported in the literature in individuals with IFT172-related conditions. This sequence change creates a premature translational stop signal (p.Lys693Argfs*8) in the IFT172 gene. It is expected to result in an absent or disrupted protein product. Loss-of-function variants in IFT172 are known to be pathogenic (PMID: 24140113).

Literature cited by the submitters: PubMed 24140113.